The following is an entry in ClinVar:

ClinVar aggregate classification (germline): Uncertain significance (1 of 4 stars; one submission).

Conditions:
Familial acute necrotizing encephalopathy (IIAE3). Also called: ENCEPHALOPATHY, ACUTE, INFECTION-INDUCED, SUSCEPTIBILITY TO, 3; Susceptibility to Acute Necrotizing Encephalopathy 1. Identifiers: Orphanet 88619, MedGen C2675556, MONDO:0011953, OMIM 608033.

gnomAD v4.1: 2 of 1,611,972 alleles (0.00012%); highest among the groups gnomAD compares: Non-Finnish European, 0.00017%; no homozygotes.

Submission:

Labcorp Genetics (formerly Invitae), Labcorp
Classification: Uncertain significance for Familial acute necrotizing encephalopathy. Last evaluated: 2020-10-19. Review status: criteria provided, single submitter. Criteria: Invitae Variant Classification Sherloc (09022015). Collection method: clinical testing. Allele origin: germline.
Comment: This sequence change replaces aspartic acid with asparagine at codon 2031 of the RANBP2 protein (p.Asp2031Asn). The aspartic acid residue is highly conserved and there is a small physicochemical difference between aspartic acid and asparagine. This variant is not present in population databases (ExAC no frequency). This variant has not been reported in the literature in individuals with RANBP2-related conditions. Algorithms developed to predict the effect of missense changes on protein structure and function are either unavailable or do not agree on the potential impact of this missense change (SIFT: "Deleterious"; PolyPhen-2: "Probably Damaging"; Align-GVGD: "Class C15"). In summary, the available evidence is currently insufficient to determine the role of this variant in disease. Therefore, it has been classified as a Variant of Uncertain Significance.

NM_006267.5(RANBP2):c.6091G>A (p.Asp2031Asn)

Gene: RANBP2 (RAN binding protein 2; plus strand). Cytogenetic location: 2q13.
Variant type: single nucleotide variant.
Coding change: c.6091G>A on transcript NM_006267.5 (MANE Select); coding-DNA position 6091, G replaced by A.
Protein change: p.Asp2031Asn; replaces aspartic acid 2031 with asparagine.
Molecular consequence: missense variant.
Genome position (GRCh38, 1-based): chr2:108,766,630, G>A. VCF-style: chr2-108766630-G-A. GRCh37 (hg19) VCF-style: chr2-109383086-G-A.
Other names: short protein forms D2031N.
Identifiers: ClinVar variation 1058990 (VCV001058990.10), dbSNP rs2149281022, ClinGen allele CA348074684.
Genomic context (GRCh38, chr2:108,766,630, plus strand): 5'-ATCCATTTTGAACCAGTAGTTCAAATGCCCGAAAAAGTAGAACTTGTAACAGGAGAAGAA[G>A]ATGAAAAAGTTCTGTATTCACAGCGGGTAAAACTATTTAGATTTGATGCTGAGGTAAGTC-3'
Protein context (NP_006258.3, residues 2021-2041): EKVELVTGEE[Asp2031Asn]EKVLYSQRVK